The following is an entry in ClinVar:

ClinVar aggregate classification (germline): Uncertain significance (1 of 4 stars; one submission).

Conditions:
DICER1-related tumor predisposition. Also called: DICER1 syndrome; DICER1-related pleuropulmonary blastoma cancer predisposition syndrome. Identifiers: Orphanet 284343, MedGen C3839822, MONDO:0100216.

Submission:

Labcorp Genetics (formerly Invitae), Labcorp
Classification: Uncertain significance for DICER1-related tumor predisposition. Last evaluated: 2023-11-21. Review status: criteria provided, single submitter. Criteria: Invitae Variant Classification Sherloc (09022015). Collection method: clinical testing. Allele origin: germline.
Comment: This variant, c.3598_3600del, results in the deletion of 1 amino acid(s) of the DICER1 protein (p.Asn1200del), but otherwise preserves the integrity of the reading frame. This variant is not present in population databases (gnomAD no frequency). This variant has not been reported in the literature in individuals affected with DICER1-related conditions. Experimental studies and prediction algorithms are not available or were not evaluated, and the functional significance of this variant is currently unknown. In summary, the available evidence is currently insufficient to determine the role of this variant in disease. Therefore, it has been classified as a Variant of Uncertain Significance.

NM_177438.3(DICER1):c.3598_3600del (p.Asn1200del)

Gene: DICER1 (dicer 1, ribonuclease III; minus strand). Cytogenetic location: 14q32.13.
Variant type: Deletion.
Coding change: c.3598_3600del on transcript NM_177438.3 (MANE Select); coding-DNA positions 3598 to 3600, 3 bases deleted (AAT; older notation c.3598_3600delAAT).
Protein change: p.Asn1200del; deletes asparagine 1200.
Molecular consequence: inframe deletion. On other transcripts: inframe indel (1), non-coding transcript variant (6).
Genome position (GRCh38, 1-based): chr14:95,103,796-95,103,798, ATT deleted on the plus strand (AAT on the coding strand, the reverse complement: DICER1 is on the minus strand). VCF-style (leftmost placement, unchanged base first): chr14-95103795-GATT-G. GRCh37 (hg19) VCF-style: chr14-95570132-GATT-G.
Other names: c.3598_3600del, p.Asn1200del (NM_001195573.1, NM_001271282.3, NM_001291628.2 and 12 more transcripts); c.3598_3600delAAT, p.Asn1200del (NM_001395681.1); c.3316_3318del, p.Asn1106del (NM_001395686.1); c.3193_3195del, p.Asn1065del (NM_001395687.1, NM_001395688.1, NM_001395689.1 and 2 more transcripts); c.3031_3033del, p.Asn1011del (NM_001395691.1); c.1915_1917del, p.Asn639del (NM_001395697.1); short protein forms N1011del, N1065del, N1106del, N1200del, N639del.
Identifiers: ClinVar variation 2803945 (VCV002803945.3), dbSNP rs2542706538, ClinGen allele CA2739277860.